The following is an entry in ClinVar:

NM_000465.4(BARD1):c.927A>C (p.Thr309=)

Gene: BARD1 (BRCA1 associated RING domain 1; minus strand). Cytogenetic location: 2q35.
Variant type: single nucleotide variant.
Coding change: c.927A>C on transcript NM_000465.4 (MANE Select); coding-DNA position 927, A replaced by C.
Protein change: p.Thr309=; no amino-acid change (threonine 309 retained).
Molecular consequence: synonymous variant. On other transcripts: non-coding transcript variant (2), intron variant (3).
Genome position (GRCh38, 1-based): chr2:214,780,947, T>G on the plus strand (A>C on the coding strand, the complement: BARD1 is on the minus strand). VCF-style: chr2-214780947-T-G. GRCh37 (hg19) VCF-style: chr2-215645671-T-G.
Other names: c.870A>C, p.Thr290= (NM_001282543.2); c.159-28392A>C (NM_001282548.2); c.215+16114A>C (NM_001282545.2); c.364+11350A>C (NM_001282549.2).
Identifiers: ClinVar variation 3378890 (VCV003378890.1).

ClinVar aggregate classification (germline): Benign (1 of 4 stars; one submission).

Conditions:
Familial cancer of breast. Also called: hereditary breast carcinoma; Hereditary breast cancer; BREAST CANCER, FAMILIAL. Identifiers: Orphanet 227535, MedGen C0346153, MONDO:0016419, OMIM 114480. Disease mechanism: loss of function.

Submission:

Myriad Genetics, Inc.
Classification: Benign for Familial cancer of breast. Last evaluated: 2024-07-23. Review status: criteria provided, single submitter. Criteria: Myriad Autosomal Dominant, Autosomal Recessive and X-Linked Classification Criteria (2023). Collection method: clinical testing. Allele origin: unknown.
Comment: This variant is considered benign. This variant is a silent/synonymous amino acid change and it is not expected to impact splicing.